The following is an entry in ClinVar:

ClinVar aggregate classification (germline): Uncertain significance (1 of 4 stars; one submission).

Conditions:
Intellectual developmental disorder, autosomal recessive 5. Also called: Intellectual disability, autosomal recessive 5. Identifiers: Orphanet 88616, MedGen C1970199, MONDO:0012613, OMIM 611091.

Allele frequency attached by ClinVar (database versions not stated): TOPMed 0.00002; gnomAD 0.00003.

Submission:

Geisinger Autism and Developmental Medicine Institute, Geisinger Health System
Classification: Uncertain significance for Intellectual developmental disorder, autosomal recessive 5. Last evaluated: 2017-08-03. Review status: criteria provided, single submitter. Criteria: ACMG Guidelines, 2015. Collection method: provider interpretation, clinical testing. Allele origin: maternal. Observed: 1 variant allele.
Comment: The p.Asp347Asn variant is present in gnomAD non-Finnish European population at a frequency of 0.0024%. Computational prediction models are inconsistent.

NM_017755.6(NSUN2):c.1039G>A (p.Asp347Asn)

Gene: NSUN2 (NOP2/Sun RNA methyltransferase 2; minus strand). Cytogenetic location: 5p15.31.
Variant type: single nucleotide variant.
Coding change: c.1039G>A on transcript NM_017755.6 (MANE Select); coding-DNA position 1039, G replaced by A.
Protein change: p.Asp347Asn; replaces aspartic acid 347 with asparagine.
Molecular consequence: missense variant. On other transcripts: non-coding transcript variant (1).
Genome position (GRCh38, 1-based): chr5:6,611,781, C>T on the plus strand (G>A on the coding strand, the complement: NSUN2 is on the minus strand). VCF-style: chr5-6611781-C-T. GRCh37 (hg19) VCF-style: chr5-6611894-C-T.
Other names: c.934G>A, p.Asp312Asn (NM_001193455.2); short protein forms D347N, D312N.
Identifiers: ClinVar variation 560233 (VCV000560233.3), dbSNP rs779298195, ClinGen allele CA359122111.
Genomic context (GRCh38, chr5:6,611,781, plus strand): 5'-TTACCTTCCACTGTGTGATTCCAGGCATCCACTTCAGCCCTGGCAGTTCATTAGACACAT[C>T]AGCAAGCTCCAAAGCACCTGTGCAGCAAAAGCATGGACGTCTTTTGTTTTTCAAAAAAGT-3'
Protein context (NP_060225.4, residues 337-357): EKSEGALELA[Asp347Asn]VSNELPGLKW